The following is an entry in ClinVar:

NM_013254.4(TBK1):c.407T>G (p.Ile136Ser)

Gene: TBK1 (TANK binding kinase 1; plus strand). Cytogenetic location: 12q14.2.
Variant type: single nucleotide variant.
Coding change: c.407T>G on transcript NM_013254.4 (MANE Select); coding-DNA position 407, T replaced by G.
Protein change: p.Ile136Ser; replaces isoleucine 136 with serine.
Molecular consequence: missense variant.
Genome position (GRCh38, 1-based): chr12:64,466,949, T>G. VCF-style: chr12-64466949-T-G. GRCh37 (hg19) VCF-style: chr12-64860729-T-G.
Other names: p.Ile136Ser; short protein forms I136S.
Identifiers: ClinVar variation 4541730 (VCV004541730.1).

ClinVar aggregate classification (germline): Uncertain significance (1 of 4 stars; one submission).

Submission:

Mayo Clinic Laboratories, Mayo Clinic
Classification: Uncertain significance. Last evaluated: 2025-09-15. Review status: criteria provided, single submitter. Criteria: ACMG Guidelines, 2015. Collection method: clinical testing. Allele origin: germline. Observed: 1 variant allele.
Comment: PP3_moderate